The following is an entry in ClinVar:

ClinVar aggregate classification (germline): Uncertain significance. Review status: criteria provided, multiple submitters, no conflicts (2 of 4 stars). 3 submissions from 3 submitters: Uncertain significance (3). Last evaluated 2024-06-26.

Conditions:
Inborn genetic diseases. Identifiers: MedGen C0950123, MeSH D030342.
Bethlem myopathy 2 (BTHLM2). Identifiers: Orphanet 536516, Orphanet 610, MedGen C4225313, MONDO:0034022, OMIM 616471.
Ullrich congenital muscular dystrophy 2 (UCMD2). Identifiers: Orphanet 75840, MedGen C4225314, MONDO:0014654, OMIM 616470.

Allele frequency attached by ClinVar (database versions not stated): gnomAD exomes 0.00001; TOPMed 0.00001.

Submissions (3):

Labcorp Genetics (formerly Invitae), Labcorp
Classification: Uncertain significance for Bethlem myopathy 2; Ullrich congenital muscular dystrophy 2. Last evaluated: 2024-06-26. Review status: criteria provided, single submitter. Criteria: Invitae Variant Classification Sherloc (09022015). Collection method: clinical testing. Allele origin: germline.
Comment: This sequence change replaces arginine, which is basic and polar, with tryptophan, which is neutral and slightly polar, at codon 2228 of the COL12A1 protein (p.Arg2228Trp). This variant is not present in population databases (gnomAD no frequency). This variant has not been reported in the literature in individuals affected with COL12A1-related conditions. ClinVar contains an entry for this variant (Variation ID: 862698). Advanced modeling of protein sequence and biophysical properties (such as structural, functional, and spatial information, amino acid conservation, physicochemical variation, residue mobility, and thermodynamic stability) has been performed at Invitae for this missense variant, however the output from this modeling did not meet the statistical confidence thresholds required to predict the impact of this variant on COL12A1 protein function. Algorithms developed to predict the effect of sequence changes on RNA splicing suggest that this variant may disrupt the consensus splice site. In summary, the available evidence is currently insufficient to determine the role of this variant in disease. Therefore, it has been classified as a Variant of Uncertain Significance.

Ambry Genetics
Classification: Uncertain significance for Inborn genetic diseases. Last evaluated: 2023-02-15. Review status: criteria provided, single submitter. Criteria: Ambry Variant Classification Scheme 2023. Collection method: clinical testing. Allele origin: germline.

GeneDx
Classification: Uncertain significance. Last evaluated: 2020-09-02. Review status: criteria provided, single submitter. Criteria: GeneDx Variant Classification Process June 2021. Collection method: clinical testing. Allele origin: germline. Affected: yes.
Comment: Not observed in large population cohorts (Lek et al., 2016); In silico analysis supports that this missense variant has a deleterious effect on protein structure/function; Has not been previously published as pathogenic or benign to our knowledge

NM_004370.6(COL12A1):c.6682C>T (p.Arg2228Trp)

Gene: COL12A1 (collagen type XII alpha 1 chain; minus strand). Cytogenetic location: 6q13.
Variant type: single nucleotide variant.
Coding change: c.6682C>T on transcript NM_004370.6 (MANE Select); coding-DNA position 6682, C replaced by T.
Protein change: p.Arg2228Trp; replaces arginine 2228 with tryptophan.
Molecular consequence: missense variant.
Genome position (GRCh38, 1-based): chr6:75,124,297, G>A on the plus strand (C>T on the coding strand, the complement: COL12A1 is on the minus strand). VCF-style: chr6-75124297-G-A. GRCh37 (hg19) VCF-style: chr6-75834013-G-A.
Other names: c.3190C>T, p.Arg1064Trp (NM_080645.3); short protein forms R1064W, R2228W.
Identifiers: ClinVar variation 862698 (VCV000862698.14), dbSNP rs759202641, ClinGen allele CA140982467.